The following is an entry in ClinVar:

ClinVar aggregate classification (germline): Uncertain significance (1 of 4 stars; one submission).

Submission:

Labcorp Genetics (formerly Invitae), Labcorp
Classification: Uncertain significance. Last evaluated: 2021-04-16. Review status: criteria provided, single submitter. Criteria: Invitae Variant Classification Sherloc (09022015). Collection method: clinical testing. Allele origin: germline.
Comment: In summary, the available evidence is currently insufficient to determine the role of this variant in disease. Therefore, it has been classified as a Variant of Uncertain Significance. Algorithms developed to predict the effect of missense changes on protein structure and function are either unavailable or do not agree on the potential impact of this missense change (SIFT: "Deleterious"; PolyPhen-2: "Probably Damaging"; Align-GVGD: "Class C0"). This variant has not been reported in the literature in individuals with LARP7-related conditions. This variant is not present in population databases (ExAC no frequency). This sequence change replaces asparagine with histidine at codon 50 of the LARP7 protein (p.Asn50His). The asparagine residue is highly conserved and there is a small physicochemical difference between asparagine and histidine.

NM_016648.4(LARP7):c.148A>C (p.Asn50His)

Gene: LARP7 (La ribonucleoprotein 7, transcriptional regulator; plus strand). Cytogenetic location: 4q25.
Variant type: single nucleotide variant.
Coding change: c.148A>C on transcript NM_016648.4 (MANE Select); coding-DNA position 148, A replaced by C.
Protein change: p.Asn50His; replaces asparagine 50 with histidine.
Molecular consequence: missense variant. On other transcripts: intron variant (2).
Genome position (GRCh38, 1-based): chr4:112,644,817, A>C. VCF-style: chr4-112644817-A-C. GRCh37 (hg19) VCF-style: chr4-113565973-A-C.
Other names: c.148A>C, p.Asn50His (NM_001267039.4, NM_001370974.1, NM_001370975.1 and 6 more transcripts); c.-36+49A>C (NM_001370982.1, NM_001370981.1); short protein forms N50H.
Identifiers: ClinVar variation 1500522 (VCV001500522.8), dbSNP rs2149256591, ClinGen allele CA357921000.
Genomic context (GRCh38, chr4:112,644,817, plus strand): 5'-CGAGTTAAACAGGTGCTTGCAGATATTGCTAAGCAAGTGGACTTCTGGTTTGGGGATGCA[A>C]ATCTTCACAAGGATAGATTTCTTCGAGAACAGATAGAAAAATCTAGAGATGGATGTAAGT-3'
Protein context (NP_057732.2, residues 40-60): KQVDFWFGDA[Asn50His]LHKDRFLREQ